The following is an entry in ClinVar:

NM_000138.5(FBN1):c.3532dup (p.Tyr1178fs)

Gene: FBN1 (fibrillin 1; minus strand). Cytogenetic location: 15q21.1.
Variant type: Duplication.
Coding change: c.3532dup on transcript NM_000138.5 (MANE Select); coding-DNA position 3532, one base duplicated (T; older notation c.3532dupT).
Protein change: p.Tyr1178fs; shifts the reading frame from tyrosine 1178.
Molecular consequence: frameshift variant.
Genome position (GRCh38, 1-based): chr15:48,487,132, A duplicated on the plus strand (T on the coding strand, the reverse complement: FBN1 is on the minus strand). VCF-style (leftmost placement, unchanged base first): chr15-48487131-T-TA. GRCh37 (hg19) VCF-style: chr15-48779328-T-TA.
Other names: c.3532dup, p.Tyr1178fs (NM_001406716.1); short protein forms Y1178fs.
Identifiers: ClinVar variation 4820007 (VCV004820007.1).

ClinVar aggregate classification (germline): Likely pathogenic (1 of 4 stars; one submission).

Conditions:
Familial thoracic aortic aneurysm and aortic dissection (TAAD). Also called: Thoracic aortic aneurysms and dissections. Identifiers: Orphanet 91387, MedGen C4707243, MONDO:0019625.

Submission:

Centre of Medical Genetics, University of Antwerp
Classification: Likely pathogenic for Familial thoracic aortic aneurysm and aortic dissection. Last evaluated: 2024-09-06. Review status: criteria provided, single submitter. Criteria: ACMG Guidelines, 2015. Collection method: clinical testing. Allele origin: germline. Affected: yes.
Comment: LP(PVS1; PM1)